The following is an entry in ClinVar:

NM_170606.3(KMT2C):c.1097A>G (p.Tyr366Cys)

Genes: KMT2C (lysine methyltransferase 2C; minus strand), LOC123956272 (Sharpr-MPRA regulatory region 15588; plus strand). Cytogenetic location: 7q36.1.
Variant type: single nucleotide variant.
Coding change: c.1097A>G on transcript NM_170606.3 (MANE Select); coding-DNA position 1097, A replaced by G.
Protein change: p.Tyr366Cys; replaces tyrosine 366 with cysteine.
Molecular consequence: missense variant.
Genome position (GRCh38, 1-based): chr7:152,265,125, T>C on the plus strand (A>G on the coding strand, the complement: KMT2C is on the minus strand). VCF-style: chr7-152265125-T-C. GRCh37 (hg19) VCF-style: chr7-151962210-T-C.
Other names: short protein forms Y366C.
Identifiers: ClinVar variation 1710627 (VCV001710627.3), dbSNP rs2129173507, ClinGen allele CA370092365.

ClinVar aggregate classification (germline): Uncertain significance (1 of 4 stars; one submission).

Submission:

GeneDx
Classification: Uncertain significance. Last evaluated: 2025-08-21. Review status: criteria provided, single submitter. Criteria: GeneDx Variant Classification Process June 2021. Collection method: clinical testing. Allele origin: germline. Affected: yes.
Comment: Not observed at significant frequency in large population cohorts (gnomAD); In silico analysis supports that this missense variant has a deleterious effect on protein structure/function; Has not been previously published as pathogenic or benign to our knowledge; This variant is associated with the following publications: (PMID: 38203475)